The following is an entry in ClinVar:

NM_001048174.2(MUTYH):c.977G>A (p.Gly326Glu)

Gene: MUTYH (mutY DNA glycosylase; minus strand). Cytogenetic location: 1p34.1.
Variant type: single nucleotide variant.
Coding change: c.977G>A on transcript NM_001048174.2 (MANE Select); coding-DNA position 977, G replaced by A.
Protein change: p.Gly326Glu; replaces glycine 326 with glutamic acid.
Molecular consequence: missense variant. On other transcripts: non-coding transcript variant (7).
Genome position (GRCh38, 1-based): chr1:45,331,786, C>T on the plus strand (G>A on the coding strand, the complement: MUTYH is on the minus strand). VCF-style: chr1-45331786-C-T. GRCh37 (hg19) VCF-style: chr1-45797458-C-T.
Other names: c.1061G>A, p.Gly354Glu (NM_001128425.2); c.1022G>A, p.Gly341Glu (NM_001293190.2); c.1010G>A, p.Gly337Glu (NM_001293191.2, NM_001407069.1, NM_001407077.1); c.701G>A, p.Gly234Glu (NM_001293192.2, NM_001293196.2, NM_001407091.1); c.977G>A, p.Gly326Glu (NM_001293195.2, NM_001407088.1, NM_001407089.1 and 6 more transcripts); c.632G>A, p.Gly211Glu (NM_001350650.2, NM_001350651.2, NM_001407082.1); c.1019G>A, p.Gly340Glu (NM_001407083.1, NM_001407085.1); c.980G>A, p.Gly327Glu (NM_001407086.1, NM_001048172.2, NM_001407071.1 and 1 more transcripts); and 5 more; short protein forms G211E, G234E, G298E, G312E, G313E, G326E, G327E, G333E.
Identifiers: ClinVar variation 3073919 (VCV003073919.2), dbSNP rs2524012791, ClinGen allele CA340133716.

ClinVar aggregate classification (germline): Uncertain significance. Review status: criteria provided, multiple submitters, no conflicts (2 of 4 stars). 2 submissions from 2 submitters: Uncertain significance (2). Last evaluated 2025-08-27.

Conditions:
Familial adenomatous polyposis 2. Also called: COLORECTAL ADENOMATOUS POLYPOSIS, AUTOSOMAL RECESSIVE; ADENOMAS, MULTIPLE COLORECTAL, AUTOSOMAL RECESSIVE; MYH-associated polyposis; MUTYH-associated polyposis; MUTYH-related attenuated familial adenomatous polyposis; MUTYH Polyposis. Identifiers: Orphanet 220460, Orphanet 247798, MedGen C3272841, MONDO:0012041, OMIM 608456.
Hereditary cancer-predisposing syndrome. Also called: Tumor predisposition; Hereditary Cancer Syndrome; Hereditary neoplastic syndrome; Neoplastic Syndromes, Hereditary. Identifiers: Orphanet 140162, MedGen C0027672, MeSH D009386, MONDO:0015356.

Allele frequency attached by ClinVar (database versions not stated): gnomAD exomes below 0.00001.
gnomAD v4.1: 1 of 1,613,370 alleles (0.000062%); highest among the groups gnomAD compares: Non-Finnish European, 0.000085%; no homozygotes.

Submissions (2):

Ambry Genetics
Classification: Uncertain significance for Hereditary cancer-predisposing syndrome. Last evaluated: 2025-08-27. Review status: criteria provided, single submitter. Criteria: Ambry Variant Classification Scheme 2023. Collection method: clinical testing. Allele origin: germline.
Comment: The p.G354E variant (also known as c.1061G>A), located in coding exon 12 of the MUTYH gene, results from a G to A substitution at nucleotide position 1061. The glycine at codon 354 is replaced by glutamic acid, an amino acid with similar properties. This amino acid position is conserved. In addition, the in silico prediction for this alteration is inconclusive. Based on the available evidence, the clinical significance of this variant remains unclear.

All of Us Research Program, National Institutes of Health
Classification: Uncertain significance for Familial adenomatous polyposis 2. Last evaluated: 2023-11-30. Review status: criteria provided, single submitter. Criteria: ACMG Guidelines, 2015. Collection method: clinical testing. Allele origin: germline. Inheritance: Autosomal recessive inheritance. Observed: 1 variant allele, 1 heterozygote.
Comment: This study involves interpretation of variants in research participants for the purpose of population health screening. Participant phenotype was not available at the time of variant classification. Additional details can be found in publication PMID: 35346344, PMCID: PMC8962531